The following is an entry in ClinVar:

ClinVar aggregate classification (germline): Uncertain significance. Review status: criteria provided, multiple submitters, no conflicts (2 of 4 stars). 4 submissions from 4 submitters: Uncertain significance (4). Last evaluated 2025-11-21.

Conditions:
Cardiovascular phenotype. Identifiers: MedGen CN230736.
Sick sinus syndrome 2, autosomal dominant (SSS2). Also called: SICK SINUS SYNDROME 2; SICK SINUS SYNDROME 2 WITH OR WITHOUT CARDIAC NONCOMPACTION AND/OR ASCENDING AORTA DILATION; ATRIAL FIBRILLATION WITH BRADYARRHYTHMIA; SINUS BRADYCARDIA SYNDROME, FAMILIAL, AUTOSOMAL DOMINANT; SINUS NODE DISEASE, FAMILIAL, AUTOSOMAL DOMINANT. Identifiers: Orphanet 166282, MedGen C1834144, MONDO:0008102, OMIM 163800.
Brugada syndrome 8 (BRGDA8). Identifiers: Orphanet 130, MedGen C2751083, MONDO:0013148, OMIM 613123.

Allele frequency attached by ClinVar (database versions not stated): TOPMed 0.00005; gnomAD exomes 0.00001 and 0.00002; ExAC 0.00002; gnomAD 0.00005.
gnomAD v4.1: 23 of 1,598,056 alleles (0.0014%); highest among the groups gnomAD compares: African/African-American, 0.008%; no homozygotes.

Submissions (4):

Clinical Genomics Laboratory, Washington University in St. Louis
Classification: Uncertain significance for Sick sinus syndrome 2, autosomal dominant. Last evaluated: 2025-11-21. Review status: criteria provided, single submitter. Criteria: ACMG Guidelines, 2015. Collection method: clinical testing. Allele origin: germline.
Comment: The HCN4 c.2458G>A (p.Gly820Arg) variant, to our knowledge, has not been reported in the medical literature, however, has been reported in the ClinVar database (Variation ID: 190789) as a germline variant of uncertain significance by three submitters. Computational predictors suggest that the variant does not impact HCN4 function. This variant is observed in 6/264,314 alleles in the general population (gnomAD v2.1.1). Due to limited information, the clinical significance of this variant is uncertain.

Labcorp Genetics (formerly Invitae), Labcorp
Classification: Uncertain significance for Brugada syndrome 8. Last evaluated: 2025-09-19. Review status: criteria provided, single submitter. Criteria: Invitae Variant Classification Sherloc (09022015). Collection method: clinical testing. Allele origin: germline.
Comment: This sequence change replaces glycine, which is neutral and non-polar, with arginine, which is basic and polar, at codon 820 of the HCN4 protein (p.Gly820Arg). This variant is present in population databases (rs761337460, gnomAD 0.01%). This variant has not been reported in the literature in individuals affected with HCN4-related conditions. ClinVar contains an entry for this variant (Variation ID: 190789). Invitae Evidence Modeling of protein sequence and biophysical properties (such as structural, functional, and spatial information, amino acid conservation, physicochemical variation, residue mobility, and thermodynamic stability) indicates that this missense variant is not expected to disrupt HCN4 protein function with a negative predictive value of 95%. In summary, the available evidence is currently insufficient to determine the role of this variant in disease. Therefore, it has been classified as a Variant of Uncertain Significance.

Ambry Genetics
Classification: Uncertain significance for Cardiovascular phenotype. Last evaluated: 2025-09-18. Review status: criteria provided, single submitter. Criteria: Ambry Variant Classification Scheme 2023. Collection method: clinical testing. Allele origin: germline.
Comment: The p.G820R variant (also known as c.2458G>A), located in coding exon 8 of the HCN4 gene, results from a G to A substitution at nucleotide position 2458. The glycine at codon 820 is replaced by arginine, an amino acid with dissimilar properties. This amino acid position is highly conserved in available vertebrate species. In addition, this alteration is predicted to be tolerated by in silico analysis. Since supporting evidence is limited at this time, the clinical significance of this alteration remains unclear.

GeneDx
Classification: Uncertain significance. Last evaluated: 2024-05-02. Review status: criteria provided, single submitter. Criteria: GeneDx Variant Classification Process June 2021. Collection method: clinical testing. Allele origin: germline. Affected: yes.
Comment: Has not been previously published as pathogenic or benign to our knowledge; In silico analysis indicates that this missense variant does not alter protein structure/function

NM_005477.3(HCN4):c.2458G>A (p.Gly820Arg)

Gene: HCN4 (hyperpolarization activated cyclic nucleotide gated potassium channel 4; minus strand). Cytogenetic location: 15q24.1.
Variant type: single nucleotide variant.
Coding change: c.2458G>A on transcript NM_005477.3 (MANE Select); coding-DNA position 2458, G replaced by A.
Protein change: p.Gly820Arg; replaces glycine 820 with arginine.
Molecular consequence: missense variant.
Genome position (GRCh38, 1-based): chr15:73,323,635, C>T on the plus strand (G>A on the coding strand, the complement: HCN4 is on the minus strand). VCF-style: chr15-73323635-C-T. GRCh37 (hg19) VCF-style: chr15-73615976-C-T.
Other names: p.G820R:GGG>AGG; short protein forms G820R.
Identifiers: ClinVar variation 190789 (VCV000190789.15), dbSNP rs761337460, ClinGen allele CA301973.